The following is an entry in ClinVar:

NM_003400.4(XPO1):c.2150T>G (p.Met717Arg)

Gene: XPO1 (exportin 1; minus strand). Cytogenetic location: 2p15.
Variant type: single nucleotide variant.
Coding change: c.2150T>G on transcript NM_003400.4 (MANE Select); coding-DNA position 2150, T replaced by G.
Protein change: p.Met717Arg; replaces methionine 717 with arginine.
Molecular consequence: missense variant.
Genome position (GRCh38, 1-based): chr2:61,488,644, A>C on the plus strand (T>G on the coding strand, the complement: XPO1 is on the minus strand). VCF-style: chr2-61488644-A-C. GRCh37 (hg19) VCF-style: chr2-61715779-A-C.
Other names: c.2015T>G, p.Met672Arg (NM_001410799.1); short protein forms M672R, M717R.
Identifiers: ClinVar variation 4073404 (VCV004073404.1).

ClinVar aggregate classification (germline): Pathogenic (1 of 4 stars; one submission).

Conditions:
XPO1-associated Neurodevelopmental Disorder.

Submission:

Genome Diagnostics Laboratory, University Medical Center Utrecht
Classification: Pathogenic for XPO1-associated Neurodevelopmental Disorder. Last evaluated: 2025-07-21. Review status: criteria provided, single submitter. Criteria: ACMG Guidelines, 2015. Collection method: research. Allele origin: germline. Affected: yes.
Comment: ACMG/AMP (Richards et al, 2015): PS2, PM2, PP2, PP3